The following is an entry in ClinVar:

ClinVar aggregate classification (germline): Uncertain significance (1 of 4 stars; one submission).

Conditions:
Inborn genetic diseases. Identifiers: MedGen C0950123, MeSH D030342.

Submission:

Ambry Genetics
Classification: Uncertain significance for Inborn genetic diseases. Last evaluated: 2021-04-01. Review status: criteria provided, single submitter. Criteria: Ambry Variant Classification Scheme 2023. Collection method: clinical testing. Allele origin: germline.
Comment: The c.623G>A (p.G208D) alteration is located in exon 5 (coding exon 5) of the PLP1 gene. This alteration results from a G to A substitution at nucleotide position 623, causing the glycine (G) at amino acid position 208 to be replaced by an aspartic acid (D). Based on data from the Genome Aggregation Database (gnomAD), the PLP1 c.623G>A alteration was not observed, with coverage at this position. This alteration was previously reported in a patient with developmental delay and hypomyelination (Ji, 2018). Both alterations were maternally inherited. The p.G208 amino acid is conserved in available vertebrate species. The p.G208D alteration is predicted to be deleterious by in silico analysis. Based on insufficient or conflicting evidence, the clinical significance of this alteration remains unclear.

Literature cited by the submitters: PubMed 25491635; PubMed 29451896.

NM_000533.5(PLP1):c.623G>A (p.Gly208Asp)

Genes: PLP1 (proteolipid protein 1; plus strand), RAB9B (RAB9B, member RAS oncogene family; minus strand). Cytogenetic location: Xq22.2.
Variant type: single nucleotide variant.
Coding change: c.623G>A on transcript NM_000533.5 (MANE Select); coding-DNA position 623, G replaced by A.
Protein change: p.Gly208Asp; replaces glycine 208 with aspartic acid.
Molecular consequence: missense variant.
Genome position (GRCh38, 1-based): chrX:103,788,437, G>A. VCF-style: chrX-103788437-G-A. GRCh37 (hg19) VCF-style: chrX-103043366-G-A.
Other names: c.623G>A, p.Gly208Asp (NM_001128834.3); c.458G>A, p.Gly153Asp (NM_001305004.1); c.518G>A, p.Gly173Asp (NM_199478.3); short protein forms G153D, G208D, G173D.
Identifiers: ClinVar variation 2229644 (VCV002229644.2), dbSNP rs2522317749, ClinGen allele CA414104200.